The following is an entry in ClinVar:

NM_000059.4(BRCA2):c.7007+2936del

Gene: BRCA2 (BRCA2 DNA repair associated; plus strand). Cytogenetic location: 13q13.1.
Variant type: Deletion.
Coding change: c.7007+2936del on transcript NM_000059.4 (MANE Select); 2936 bases into the intron after coding-DNA position 7007, one base deleted (A; older notation c.7007+2936delA).
Molecular consequence: intron variant.
Genome position (GRCh38, 1-based): chr13:32,349,832, A deleted; the last of 18 consecutive A bases (chr13:32,349,815-32,349,832); deleting any one gives the same sequence. VCF-style (leftmost placement, unchanged base first): chr13-32349814-CA-C. GRCh37 (hg19) VCF-style: chr13-32923951-CA-C.
Identifiers: ClinVar variation 264865 (VCV000264865.1), dbSNP rs11327981, ClinGen allele CA10588114.

ClinVar aggregate classification (germline): Benign (3 of 4 stars; one submission).

Conditions:
Breast-ovarian cancer, familial, susceptibility to, 2 (BROVCA2). Also called: BRCA2 Hereditary Breast and Ovarian Cancer. Identifiers: Orphanet 145, MedGen C2675520, MONDO:0012933, OMIM 612555. Disease mechanism: loss of function.

Submission:

Evidence-based Network for the Interpretation of Germline Mutant Alleles (ENIGMA)
Classification: Benign for Breast-ovarian cancer, familial, susceptibility to, 2. Last evaluated: 2016-09-28. Review status: reviewed by expert panel. Criteria: ENIGMA BRCA1/2 Classification Criteria (2015). Collection method: curation. Allele origin: germline.
Comment: Class 1 not pathogenic based on frequency >1% in an outbred sampleset. Frequency 0.5626 (European), 0.5091 (African), 0.5187 (Admixed American/Latino), 0.4861 (East Asian), 0.4591 (South Asian), derived from 1000 genomes (2013-05-02).